The following is an entry in ClinVar:

ClinVar aggregate classification (germline): Uncertain significance (1 of 4 stars; one submission).

Conditions:
Familial cold autoinflammatory syndrome 3 (FCAS3). Also called: ANTIBODY DEFICIENCY AND IMMUNE DYSREGULATION, PLCG2-ASSOCIATED; FAMILIAL ATYPICAL COLD URTICARIA. Identifiers: Orphanet 300359, MedGen C3280914, MONDO:0013766, OMIM 614468.

Submission:

Labcorp Genetics (formerly Invitae), Labcorp
Classification: Uncertain significance for Familial cold autoinflammatory syndrome 3. Last evaluated: 2022-05-15. Review status: criteria provided, single submitter. Criteria: Invitae Variant Classification Sherloc (09022015). Collection method: clinical testing. Allele origin: germline.
Comment: In summary, the available evidence is currently insufficient to determine the role of this variant in disease. Therefore, it has been classified as a Variant of Uncertain Significance. Algorithms developed to predict the effect of missense changes on protein structure and function (SIFT, PolyPhen-2, Align-GVGD) all suggest that this variant is likely to be disruptive. This variant has not been reported in the literature in individuals affected with PLCG2-related conditions. This variant is not present in population databases (gnomAD no frequency). This sequence change replaces alanine, which is neutral and non-polar, with valine, which is neutral and non-polar, at codon 1011 of the PLCG2 protein (p.Ala1011Val).

NM_002661.5(PLCG2):c.3032C>T (p.Ala1011Val)

Gene: PLCG2 (phospholipase C gamma 2; plus strand). Cytogenetic location: 16q23.3.
Variant type: single nucleotide variant.
Coding change: c.3032C>T on transcript NM_002661.5 (MANE Select); coding-DNA position 3032, C replaced by T.
Protein change: p.Ala1011Val; replaces alanine 1011 with valine.
Molecular consequence: missense variant.
Genome position (GRCh38, 1-based): chr16:81,936,358, C>T. VCF-style: chr16-81936358-C-T. GRCh37 (hg19) VCF-style: chr16-81969963-C-T.
Other names: short protein forms A1011V.
Identifiers: ClinVar variation 1994848 (VCV001994848.4), dbSNP rs2507754651, ClinGen allele CA396906225.